The following is an entry in ClinVar:

NM_000321.3(RB1):c.1055A>C (p.Glu352Ala)

Gene: RB1 (RB transcriptional corepressor 1; plus strand). Cytogenetic location: 13q14.2.
Variant type: single nucleotide variant.
Coding change: c.1055A>C on transcript NM_000321.3 (MANE Select); coding-DNA position 1055, A replaced by C.
Protein change: p.Glu352Ala; replaces glutamic acid 352 with alanine.
Molecular consequence: missense variant.
Genome position (GRCh38, 1-based): chr13:48,368,532, A>C. VCF-style: chr13-48368532-A-C. GRCh37 (hg19) VCF-style: chr13-48942668-A-C.
Other names: c.1055A>C, p.Glu352Ala (NM_001407165.1, NM_001407166.1); short protein forms E352A.
Identifiers: ClinVar variation 3641933 (VCV003641933.2).

ClinVar aggregate classification (germline): Uncertain significance (1 of 4 stars; one submission).

Conditions:
Retinoblastoma (RB1). Also called: RETINOBLASTOMA, SOMATIC. Identifiers: Orphanet 790, MedGen C0035335, MeSH D012175, MONDO:0008380, OMIM 180200, HP:0009919. Disease mechanism: loss of function. Inheritance: Both sporadic and heritable forms are tested..

Submission:

Labcorp Genetics (formerly Invitae), Labcorp
Classification: Uncertain significance for Retinoblastoma. Last evaluated: 2024-02-19. Review status: criteria provided, single submitter. Criteria: Invitae Variant Classification Sherloc (09022015). Collection method: clinical testing. Allele origin: germline.
Comment: This sequence change replaces glutamic acid, which is acidic and polar, with alanine, which is neutral and non-polar, at codon 352 of the RB1 protein (p.Glu352Ala). This variant is not present in population databases (gnomAD no frequency). This variant has not been reported in the literature in individuals affected with RB1-related conditions. Advanced modeling of protein sequence and biophysical properties (such as structural, functional, and spatial information, amino acid conservation, physicochemical variation, residue mobility, and thermodynamic stability) performed at Invitae indicates that this missense variant is not expected to disrupt RB1 protein function with a negative predictive value of 80%. In summary, the available evidence is currently insufficient to determine the role of this variant in disease. Therefore, it has been classified as a Variant of Uncertain Significance.